The following is an entry in ClinVar:

ClinVar aggregate classification (germline): Uncertain significance (1 of 4 stars; one submission).

Conditions:
Neurodevelopmental disorder with microcephaly, impaired language, and gait abnormalities. Identifiers: MedGen C5436783, MONDO:0100348, OMIM 619091.

Allele frequency attached by ClinVar (database versions not stated): TOPMed below 0.00001; gnomAD exomes 0.00001.
gnomAD v4.1: 15 of 1,614,186 alleles (0.00093%); highest among the groups gnomAD compares: Non-Finnish European, 0.0013%; no homozygotes.

Submission:

SIB Swiss Institute of Bioinformatics
Classification: Uncertain significance for Neurodevelopmental disorder with microcephaly, impaired language, and gait abnormalities. Last evaluated: 2021-05-10. Review status: criteria provided, single submitter. Criteria: ACMG Guidelines, 2015. Collection method: curation. Allele origin: unknown.
Comment: This variant is interpreted as a variant of uncertain significance for Neurodevelopmental disorder with microcephaly, impaired language, and gait abnormalities, autosomal recessive. The following ACMG Tag(s) were applied: Absent from controls (or at extremely low frequency if recessive) in Exome Sequencing Project, 1000 Genomes Project, or Exome Aggregation Consortium (PM2); For recessive disorders, detected in trans with a pathogenic variant (PM3); Multiple lines of computational evidence support a deleterious effect on the gene or gene product (PP3).

Literature cited by the submitters: PubMed 32738225.

NM_004539.4(NARS1):c.394G>T (p.Gly132Cys)

Gene: NARS1 (asparaginyl-tRNA synthetase 1; minus strand). Cytogenetic location: 18q21.31.
Variant type: single nucleotide variant.
Coding change: c.394G>T on transcript NM_004539.4 (MANE Select); coding-DNA position 394, G replaced by T.
Protein change: p.Gly132Cys; replaces glycine 132 with cysteine.
Molecular consequence: missense variant.
Genome position (GRCh38, 1-based): chr18:57,613,629, C>A on the plus strand (G>T on the coding strand, the complement: NARS1 is on the minus strand). VCF-style: chr18-57613629-C-A. GRCh37 (hg19) VCF-style: chr18-55280861-C-A.
Other names: short protein forms G132C.
Identifiers: ClinVar variation 1077113 (VCV001077113.1), dbSNP rs1402942713, ClinGen allele CA402552358.
Genomic context (GRCh38, chr18:57,613,629, plus strand): 5'-ACATTAAAAAGAAGGAAAAGCTTTGCCATTTACCTTGCCTGCGCAGCCTGTGGACCCAGC[C>A]AAACACCTTTACTCTTTGGCCTCTATATCCTTCTAACGCACCAATCTTCACCTGTCAAAT-3'
Protein context (NP_004530.1, residues 122-142): GYRGQRVKVF[Gly132Cys]WVHRLRRQGK